The following is an entry in ClinVar:

ClinVar aggregate classification (germline): Benign (0 of 4 stars; one submission).

Conditions:
NLRP5-related disorder. Also called: NLRP5-related condition.

Allele frequency attached by ClinVar (database versions not stated): gnomAD 0.13419; ExAC 0.16887; 1000 Genomes Project 0.17133; ESP Exome Variant Server 0.12307; TOPMed 0.13372; 1000 Genomes Project 30x 0.16583.
gnomAD v4.1: 246,478 of 1,613,202 alleles (15%); highest among the groups gnomAD compares: East Asian, 34%; 20,525 homozygotes.

Submissions (2):

PreventionGenetics, part of Exact Sciences
Classification: Benign for NLRP5-related condition. Last evaluated: 2024-01-05. Review status: no assertion criteria provided. Collection method: clinical testing. Allele origin: germline.
Comment: This variant is classified as benign based on ACMG/AMP sequence variant interpretation guidelines (Richards et al. 2015 PMID: 25741868, with internal and published modifications).

Dr. Peter K. Rogan Lab, Western University
No classification provided (evidence only). Condition: Uterine carcinosarcoma. Review status: no classification provided. Collection method: in vitro. Allele origin: not applicable. Functional consequence: retained intron. Not counted in ClinVar's aggregate classification.

NM_001433705.1(NLRP5):c.3170C>G (p.Ser1057Cys)

Gene: NLRP5 (NLR family pyrin domain containing 5; plus strand). Cytogenetic location: 19q13.43.
Variant type: single nucleotide variant.
Coding change: c.3170C>G on transcript NM_001433705.1 (MANE Select); coding-DNA position 3170, C replaced by G.
Protein change: p.Ser1057Cys; replaces serine 1057 with cysteine.
Molecular consequence: missense variant.
Genome position (GRCh38, 1-based): chr19:56,058,263, C>G. VCF-style: chr19-56058263-C-G. GRCh37 (hg19) VCF-style: chr19-56569629-C-G.
Other names: NM_153447.4:c.3323C>G; NC_000019.9:g.56569629C>G; short protein forms S1057C.
Identifiers: ClinVar variation 3056933 (VCV003056933.3), dbSNP rs12462795, ClinGen allele CA9686245.